The following is an entry in ClinVar:

NM_001286577.2(C2CD3):c.6590C>T (p.Thr2197Ile)

Gene: C2CD3 (C2 domain containing 3 centriole elongation regulator; minus strand). Cytogenetic location: 11q13.4.
Variant type: single nucleotide variant.
Coding change: c.6590C>T on transcript NM_001286577.2 (MANE Select); coding-DNA position 6590, C replaced by T.
Protein change: p.Thr2197Ile; replaces threonine 2197 with isoleucine.
Molecular consequence: missense variant.
Genome position (GRCh38, 1-based): chr11:74,033,570, G>A on the plus strand (C>T on the coding strand, the complement: C2CD3 is on the minus strand). VCF-style: chr11-74033570-G-A. GRCh37 (hg19) VCF-style: chr11-73744615-G-A.
Other names: short protein forms T2197I.
Identifiers: ClinVar variation 1488045 (VCV001488045.6), dbSNP rs2135412756, ClinGen allele CA381819816.
Genomic context (GRCh38, chr11:74,033,570, plus strand): 5'-TCACTGGTGGCAGCTTCATTCTCAGCTGGGGCCTCTGACTTGGGCTCCTTGTTCTGATCT[G>A]TCTGTGGTGAGCTCCATCCAACAAACGTGCTGCTCTGTTGAGCTCCTGAGAGTGTTGGGC-3'
Protein context (NP_001273506.1, residues 2187-2207): STFVGWSSPQ[Thr2197Ile]DQNKEPKSEA

ClinVar aggregate classification (germline): Uncertain significance (1 of 4 stars; one submission).

gnomAD v4.1: 14 of 1,536,174 alleles (0.00091%); highest among the groups gnomAD compares: Non-Finnish European, 0.0012%; no homozygotes.

Submission:

Labcorp Genetics (formerly Invitae), Labcorp
Classification: Uncertain significance. Last evaluated: 2022-04-24. Review status: criteria provided, single submitter. Criteria: Invitae Variant Classification Sherloc (09022015). Collection method: clinical testing. Allele origin: germline.
Comment: This variant has not been reported in the literature in individuals affected with C2CD3-related conditions. This variant is not present in population databases (gnomAD no frequency). This sequence change replaces threonine, which is neutral and polar, with isoleucine, which is neutral and non-polar, at codon 2197 of the C2CD3 protein (p.Thr2197Ile). The C2CD3 gene has multiple clinically relevant transcripts. This variant occurs in alternate transcript NM_001286577.1, and corresponds to NM_015531.5:c.*1028C>T in the primary transcript. In summary, the available evidence is currently insufficient to determine the role of this variant in disease. Therefore, it has been classified as a Variant of Uncertain Significance. Experimental studies and prediction algorithms are not available or were not evaluated, and the functional significance of this variant is currently unknown.